The following is an entry in ClinVar:

NM_001999.4(FBN2):c.6748A>T (p.Asn2250Tyr)

Gene: FBN2 (fibrillin 2; minus strand). Cytogenetic location: 5q23.3.
Variant type: single nucleotide variant.
Coding change: c.6748A>T on transcript NM_001999.4 (MANE Select); coding-DNA position 6748, A replaced by T.
Protein change: p.Asn2250Tyr; replaces asparagine 2250 with tyrosine.
Molecular consequence: missense variant.
Genome position (GRCh38, 1-based): chr5:128,288,447, T>A on the plus strand (A>T on the coding strand, the complement: FBN2 is on the minus strand). VCF-style: chr5-128288447-T-A. GRCh37 (hg19) VCF-style: chr5-127624139-T-A.
Other names: short protein forms N2250Y.
Identifiers: ClinVar variation 1717629 (VCV001717629.6), dbSNP rs2479675781, ClinGen allele CA360760357.

ClinVar aggregate classification (germline): Uncertain significance (1 of 4 stars; one submission).

Conditions:
Congenital contractural arachnodactyly (CCA). Also called: BEALS SYNDROME; Beals-Hecht syndrome; Arthrogryposis, distal, type 9. Identifiers: Orphanet 115, MedGen C0220668, MONDO:0007363, OMIM 121050.

Allele frequency attached by ClinVar (database versions not stated): gnomAD exomes below 0.00001.
gnomAD v4.1: 1 of 1,614,094 alleles (0.000062%); no homozygotes.

Submission:

Labcorp Genetics (formerly Invitae), Labcorp
Classification: Uncertain significance for Congenital contractural arachnodactyly. Last evaluated: 2022-08-22. Review status: criteria provided, single submitter. Criteria: Invitae Variant Classification Sherloc (09022015). Collection method: clinical testing. Allele origin: germline.
Comment: This variant is not present in population databases (gnomAD no frequency). This sequence change replaces asparagine, which is neutral and polar, with tyrosine, which is neutral and polar, at codon 2250 of the FBN2 protein (p.Asn2250Tyr). This variant has not been reported in the literature in individuals affected with FBN2-related conditions. In summary, the available evidence is currently insufficient to determine the role of this variant in disease. Therefore, it has been classified as a Variant of Uncertain Significance. Advanced modeling of protein sequence and biophysical properties (such as structural, functional, and spatial information, amino acid conservation, physicochemical variation, residue mobility, and thermodynamic stability) performed at Invitae indicates that this missense variant is not expected to disrupt FBN2 protein function.